The following is an entry in ClinVar:

NM_019066.5(MAGEL2):c.2249T>G (p.Met750Arg)

Gene: MAGEL2 (MAGE family member L2; minus strand). Cytogenetic location: 15q11.2.
Variant type: single nucleotide variant.
Coding change: c.2249T>G on transcript NM_019066.5 (MANE Select); coding-DNA position 2249, T replaced by G.
Protein change: p.Met750Arg; replaces methionine 750 with arginine.
Molecular consequence: missense variant.
Genome position (GRCh38, 1-based): chr15:23,645,494, A>C on the plus strand (T>G on the coding strand, the complement: MAGEL2 is on the minus strand). VCF-style: chr15-23645494-A-C. GRCh37 (hg19) VCF-style: chr15-23890641-A-C.
Other names: short protein forms M750R.
Identifiers: ClinVar variation 4624187 (VCV004624187.2).
Genomic context (GRCh38, chr15:23,645,494, plus strand): 5'-GGCAGGTGTGCTCGCGCAGCTGACACTGCCTTGGGAGCACAGAAGGTGGCAGCAAAGATC[A>C]TGCGGTCTTTTGAAGGGGCCCTGCGCTCCTTCGAGGAGGTCCTGCGCTCTTTAGAGGAGC-3'
Protein context (NP_061939.3, residues 740-760): KERRAPSKDR[Met750Arg]IFAATFCAPK

ClinVar aggregate classification (germline): Uncertain significance. Review status: criteria provided, multiple submitters, no conflicts (2 of 4 stars). 2 submissions from 2 submitters: Uncertain significance (2). Last evaluated 2025-12-08.

Conditions:
Inborn genetic diseases. Identifiers: MedGen C0950123, MeSH D030342.
MAGEL2-related disorder. Also called: MAGEL2-related condition.

Submissions (2):

PreventionGenetics, part of Exact Sciences
Classification: Uncertain significance for MAGEL2-related condition. Last evaluated: 2025-12-08. Review status: criteria provided, single submitter. Criteria: ACMG Guidelines, 2015. Collection method: clinical testing. Allele origin: germline.
Comment: The MAGEL2 c.2249T>G variant is predicted to result in the amino acid substitution p.Met750Arg. To our knowledge, this variant has not been reported in the literature. This variant is reported in 0.013% of alleles in individuals of African descent in gnomAD. At this time, the clinical significance of this variant is uncertain due to the absence of conclusive functional and genetic evidence.

Ambry Genetics
Classification: Uncertain significance for Inborn genetic diseases. Last evaluated: 2025-11-23. Review status: criteria provided, single submitter. Criteria: Ambry Variant Classification Scheme 2023. Collection method: clinical testing. Allele origin: germline.